The following is an entry in ClinVar:

ClinVar aggregate classification (germline): Uncertain significance (1 of 4 stars; one submission).

Conditions:
Congenital myasthenic syndrome 8. Also called: Myasthenic syndrome, congenital, 8, with pre- and postsynaptic defects; MYASTHENIC SYNDROME, CONGENITAL, DUE TO AGRIN DEFICIENCY. Identifiers: Orphanet 590, MedGen C3808739, MONDO:0014052, OMIM 615120.

Allele frequency attached by ClinVar (database versions not stated): gnomAD 0.00003 and 0.00004; gnomAD exomes 0.00003; ExAC 0.00005; TOPMed 0.00005.

Submission:

Labcorp Genetics (formerly Invitae), Labcorp
Classification: Uncertain significance for Congenital myasthenic syndrome 8. Last evaluated: 2025-05-12. Review status: criteria provided, single submitter. Criteria: Invitae Variant Classification Sherloc (09022015). Collection method: clinical testing. Allele origin: germline.
Comment: This sequence change affects codon 1581 of the AGRN mRNA. It is a 'silent' change, meaning that it does not change the encoded amino acid sequence of the AGRN protein. It affects a nucleotide within the consensus splice site. This variant is present in population databases (rs774687739, gnomAD 0.01%). This variant has not been reported in the literature in individuals affected with AGRN-related conditions. ClinVar contains an entry for this variant (Variation ID: 658492). Algorithms developed to predict the effect of sequence changes on RNA splicing suggest that this variant is not likely to affect RNA splicing. In summary, the available evidence is currently insufficient to determine the role of this variant in disease. Therefore, it has been classified as a Variant of Uncertain Significance.

NM_198576.4(AGRN):c.4743C>T (p.Val1581=)

Gene: AGRN (agrin; plus strand). Cytogenetic location: 1p36.33.
Variant type: single nucleotide variant.
Coding change: c.4743C>T on transcript NM_198576.4 (MANE Select); coding-DNA position 4743, C replaced by T.
Protein change: p.Val1581=; no amino-acid change (valine 1581 retained).
Molecular consequence: synonymous variant.
Genome position (GRCh38, 1-based): chr1:1,049,794, C>T. VCF-style: chr1-1049794-C-T. GRCh37 (hg19) VCF-style: chr1-985174-C-T.
Other names: c.4743C>T, p.Val1581= (NM_001305275.2); c.4428C>T, p.Val1476= (NM_001364727.2).
Identifiers: ClinVar variation 658492 (VCV000658492.7), dbSNP rs774687739, ClinGen allele CA509586.